The following is an entry in ClinVar:

ClinVar aggregate classification (germline): Uncertain significance. Review status: criteria provided, multiple submitters, no conflicts (2 of 4 stars). 2 submissions from 2 submitters: Uncertain significance (2). Last evaluated 2025-04-18.

Conditions:
Inborn genetic diseases. Identifiers: MedGen C0950123, MeSH D030342.

Allele frequency attached by ClinVar (database versions not stated): gnomAD exomes 0.00001; ExAC 0.00002; gnomAD 0.00008; TOPMed 0.00012; ESP Exome Variant Server 0.00015; 1000 Genomes Project 30x 0.00016; 1000 Genomes Project 0.00020.

Submissions (2):

Ambry Genetics
Classification: Uncertain significance for Inborn genetic diseases. Last evaluated: 2025-04-18. Review status: criteria provided, single submitter. Criteria: Ambry Variant Classification Scheme 2023. Collection method: clinical testing. Allele origin: germline.

Labcorp Genetics (formerly Invitae), Labcorp
Classification: Uncertain significance. Last evaluated: 2024-07-24. Review status: criteria provided, single submitter. Criteria: Invitae Variant Classification Sherloc (09022015). Collection method: clinical testing. Allele origin: germline.
Comment: This sequence change replaces arginine, which is basic and polar, with lysine, which is basic and polar, at codon 120 of the GH1 protein (p.Arg120Lys). This variant is present in population databases (rs368658744, gnomAD 0.01%). This variant has not been reported in the literature in individuals affected with GH1-related conditions. ClinVar contains an entry for this variant (Variation ID: 2314724). An algorithm developed to predict the effect of missense changes on protein structure and function (PolyPhen-2) suggests that this variant is likely to be tolerated. In summary, the available evidence is currently insufficient to determine the role of this variant in disease. Therefore, it has been classified as a Variant of Uncertain Significance.

NM_000515.5(GH1):c.359G>A (p.Arg120Lys)

Genes: GH-LCR (growth hormone locus control region; plus strand), GH1 (growth hormone 1; minus strand). Cytogenetic location: 17q23.3.
Variant type: single nucleotide variant.
Coding change: c.359G>A on transcript NM_000515.5 (MANE Select); coding-DNA position 359, G replaced by A.
Protein change: p.Arg120Lys; replaces arginine 120 with lysine.
Molecular consequence: missense variant.
Genome position (GRCh38, 1-based): chr17:63,917,857, C>T on the plus strand (G>A on the coding strand, the complement: GH1 is on the minus strand). VCF-style: chr17-63917857-C-T. GRCh37 (hg19) VCF-style: chr17-61995217-C-T.
Other names: c.314G>A, p.Arg105Lys (NM_022559.4); c.239G>A, p.Arg80Lys (NM_022560.4); short protein forms R105K, R120K, R80K.
Identifiers: ClinVar variation 2314724 (VCV002314724.5), dbSNP rs368658744, ClinGen allele CA8708213.